The following is an entry in ClinVar:

ClinVar aggregate classification (germline): Uncertain significance (1 of 4 stars; one submission).

Conditions:
Idiopathic generalized epilepsy. Also called: Generalised epilepsy; EIG. Identifiers: MedGen C0270850, MONDO:0005579, OMIM 600669.

Allele frequency attached by ClinVar (database versions not stated): TOPMed 0.00001.

Submission:

Labcorp Genetics (formerly Invitae), Labcorp
Classification: Uncertain significance for Idiopathic generalized epilepsy. Last evaluated: 2023-02-03. Review status: criteria provided, single submitter. Criteria: Invitae Variant Classification Sherloc (09022015). Collection method: clinical testing. Allele origin: germline.
Comment: In summary, the available evidence is currently insufficient to determine the role of this variant in disease. Therefore, it has been classified as a Variant of Uncertain Significance. Advanced modeling of protein sequence and biophysical properties (such as structural, functional, and spatial information, amino acid conservation, physicochemical variation, residue mobility, and thermodynamic stability) performed at Invitae indicates that this missense variant is not expected to disrupt RBFOX3 protein function. This variant has not been reported in the literature in individuals affected with RBFOX3-related conditions. This variant is not present in population databases (gnomAD no frequency). This sequence change replaces tyrosine, which is neutral and polar, with cysteine, which is neutral and slightly polar, at codon 201 of the RBFOX3 protein (p.Tyr201Cys).

NM_001350451.2(RBFOX3):c.602A>G (p.Tyr201Cys)

Gene: RBFOX3 (RNA binding fox-1 homolog 3; minus strand). Cytogenetic location: 17q25.3.
Variant type: single nucleotide variant.
Coding change: c.602A>G on transcript NM_001350451.2 (MANE Select); coding-DNA position 602, A replaced by G.
Protein change: p.Tyr201Cys; replaces tyrosine 201 with cysteine.
Molecular consequence: missense variant.
Genome position (GRCh38, 1-based): chr17:79,097,712, T>C on the plus strand (A>G on the coding strand, the complement: RBFOX3 is on the minus strand). VCF-style: chr17-79097712-T-C. GRCh37 (hg19) VCF-style: chr17-77093794-T-C.
Other names: c.602A>G, p.Tyr201Cys (NM_001082575.3, NM_001350453.2, NM_001385804.1 and 33 more transcripts); c.599A>G, p.Tyr200Cys (NM_001385822.1, NM_001385823.1, NM_001385843.1 and 4 more transcripts); c.509A>G, p.Tyr170Cys (NM_001385824.1); c.623A>G, p.Tyr208Cys (NM_001385827.1); c.455A>G, p.Tyr152Cys (NM_001385847.1); short protein forms Y200C, Y152C, Y170C, Y201C, Y208C.
Identifiers: ClinVar variation 2904021 (VCV002904021.3), dbSNP rs2075647002, ClinGen allele CA401316675.
Genomic context (GRCh38, chr17:79,097,712, plus strand): 5'-AGCTGGTCTCATCCCATCCCCGCCCCGCCCCAGCTTTTACCTGCATAGAATTCAGGCCCG[T>C]AGACTGCGCCGACCACTGGATTTAGCTTCCAGCCTAAAACAAAGGCACAGAGACCTAGTC-3'
Protein context (NP_001337380.1, residues 191-211): WKLNPVVGAV[Tyr201Cys]GPEFYAVTGF